The following is an entry in ClinVar:

NM_000059.4(BRCA2):c.556G>T (p.Ala186Ser)

Gene: BRCA2 (BRCA2 DNA repair associated; plus strand). Cytogenetic location: 13q13.1.
Variant type: single nucleotide variant.
Coding change: c.556G>T on transcript NM_000059.4 (MANE Select); coding-DNA position 556, G replaced by T.
Protein change: p.Ala186Ser; replaces alanine 186 with serine.
Molecular consequence: missense variant.
Genome position (GRCh38, 1-based): chr13:32,326,538, G>T. VCF-style: chr13-32326538-G-T. GRCh37 (hg19) VCF-style: chr13-32900675-G-T.
Other names: short protein forms A186S.
Identifiers: ClinVar variation 656760 (VCV000656760.9), dbSNP rs1217007370, ClinGen allele CA387757918.

ClinVar aggregate classification (germline): Uncertain significance (1 of 4 stars; one submission).

Conditions:
Hereditary breast ovarian cancer syndrome. Also called: Hereditary breast and ovarian cancer; Hereditary breast and/or ovarian cancer syndrome; Breast and ovarian cancer; BRCA1- and BRCA2-Associated Hereditary Breast and Ovarian Cancer; Hereditary breast and ovarian cancer syndrome; Hereditary breast and ovarian cancer syndrome (HBOC). Identifiers: Orphanet 145, MedGen C0677776, MeSH D061325, MONDO:0003582. Disease mechanism: loss of function.

Submission:

Labcorp Genetics (formerly Invitae), Labcorp
Classification: Uncertain significance for Hereditary breast ovarian cancer syndrome. Last evaluated: 2024-12-04. Review status: criteria provided, single submitter. Criteria: Invitae Variant Classification Sherloc (09022015). Collection method: clinical testing. Allele origin: germline.
Comment: This sequence change replaces alanine, which is neutral and non-polar, with serine, which is neutral and polar, at codon 186 of the BRCA2 protein (p.Ala186Ser). This variant is not present in population databases (gnomAD no frequency). This variant has not been reported in the literature in individuals affected with BRCA2-related conditions. ClinVar contains an entry for this variant (Variation ID: 656760). Invitae Evidence Modeling of protein sequence and biophysical properties (such as structural, functional, and spatial information, amino acid conservation, physicochemical variation, residue mobility, and thermodynamic stability) indicates that this missense variant is not expected to disrupt BRCA2 protein function with a negative predictive value of 95%. In summary, the available evidence is currently insufficient to determine the role of this variant in disease. Therefore, it has been classified as a Variant of Uncertain Significance.